The following is an entry in ClinVar:

NM_005689.4(ABCB6):c.1901G>A (p.Arg634His)

Gene: ABCB6 (ATP binding cassette subfamily B member 6 (LAN blood group); minus strand). Cytogenetic location: 2q35.
Variant type: single nucleotide variant.
Coding change: c.1901G>A on transcript NM_005689.4 (MANE Select); coding-DNA position 1901, G replaced by A.
Protein change: p.Arg634His; replaces arginine 634 with histidine.
Molecular consequence: missense variant.
Genome position (GRCh38, 1-based): chr2:219,212,454, C>T on the plus strand (G>A on the coding strand, the complement: ABCB6 is on the minus strand). VCF-style: chr2-219212454-C-T. GRCh37 (hg19) VCF-style: chr2-220077176-C-T.
Other names: c.1763G>A, p.Arg588His (NM_001349828.2); short protein forms R634H, R588H.
Identifiers: ClinVar variation 4700973 (VCV004700973.1).
Genomic context (GRCh38, chr2:219,212,454, plus strand): 5'-ATGTCCTGCCCATCTATTCGGATGCAGCCAGAGCTGATGTCGTAGAAGCGAAACAGCAGG[C>T]GCAAAATTGTGCTCTTCCCTGCCCCAGATGGGCCCACCTGTTGCATTGGAAATGGGAAAA-3'
Protein context (NP_005680.1, residues 624-644): PSGAGKSTIL[Arg634His]LLFRFYDISS

ClinVar aggregate classification (germline): Uncertain significance (1 of 4 stars; one submission).

gnomAD v4.1: 30 of 1,614,016 alleles (0.0019%); highest among the groups gnomAD compares: African/African-American, 0.0053%; no homozygotes.

Submission:

Labcorp Genetics (formerly Invitae), Labcorp
Classification: Uncertain significance. Last evaluated: 2025-05-11. Review status: criteria provided, single submitter. Criteria: Invitae Variant Classification Sherloc (09022015). Collection method: clinical testing. Allele origin: germline.
Comment: This sequence change replaces arginine, which is basic and polar, with histidine, which is basic and polar, at codon 634 of the ABCB6 protein (p.Arg634His). This variant is present in population databases (rs759447077, gnomAD 0.008%). This variant has not been reported in the literature in individuals affected with ABCB6-related conditions. An algorithm developed to predict the effect of missense changes on protein structure and function (PolyPhen-2) suggests that this variant is likely to be disruptive. In summary, the available evidence is currently insufficient to determine the role of this variant in disease. Therefore, it has been classified as a Variant of Uncertain Significance.